The following is an entry in ClinVar:

NM_001003800.2(BICD2):c.1501C>G (p.Arg501Gly)

Gene: BICD2 (BICD cargo adaptor 2; minus strand). Cytogenetic location: 9q22.31.
Variant type: single nucleotide variant.
Coding change: c.1501C>G on transcript NM_001003800.2 (MANE Select); coding-DNA position 1501, C replaced by G.
Protein change: p.Arg501Gly; replaces arginine 501 with glycine.
Molecular consequence: missense variant.
Genome position (GRCh38, 1-based): chr9:92,719,144, G>C on the plus strand (C>G on the coding strand, the complement: BICD2 is on the minus strand). VCF-style: chr9-92719144-G-C. GRCh37 (hg19) VCF-style: chr9-95481426-G-C.
Other names: c.1501C>G, p.Arg501Gly (NM_015250.4); short protein forms R501G.
Identifiers: ClinVar variation 2836267 (VCV002836267.3), dbSNP rs373224610, ClinGen allele CA374037723.

ClinVar aggregate classification (germline): Uncertain significance (1 of 4 stars; one submission).

Conditions:
Autosomal dominant childhood-onset proximal spinal muscular atrophy with contractures (SMALED2A). Also called: SPINAL MUSCULAR ATROPHY, LOWER EXTREMITY-PREDOMINANT, 2A, CHILDHOOD ONSET, AUTOSOMAL DOMINANT; Spinal muscular atrophy, lower extremity-predominant, 2A, autosomal dominant. Identifiers: Orphanet 363447, Orphanet 363454, MedGen C4747715, MONDO:0014121, OMIM 615290.

Submission:

Labcorp Genetics (formerly Invitae), Labcorp
Classification: Uncertain significance for Autosomal dominant childhood-onset proximal spinal muscular atrophy with contractures. Last evaluated: 2023-02-11. Review status: criteria provided, single submitter. Criteria: Invitae Variant Classification Sherloc (09022015). Collection method: clinical testing. Allele origin: germline.
Comment: This variant disrupts the p.Arg501 amino acid residue in BICD2. Other variant(s) that disrupt this residue have been determined to be pathogenic (PMID: 23664120, 25497877). This suggests that this residue is clinically significant, and that variants that disrupt this residue are likely to be disease-causing. Advanced modeling of protein sequence and biophysical properties (such as structural, functional, and spatial information, amino acid conservation, physicochemical variation, residue mobility, and thermodynamic stability) performed at Invitae indicates that this missense variant is not expected to disrupt BICD2 protein function. This variant has not been reported in the literature in individuals affected with BICD2-related conditions. This variant is not present in population databases (gnomAD no frequency). This sequence change replaces arginine, which is basic and polar, with glycine, which is neutral and non-polar, at codon 501 of the BICD2 protein (p.Arg501Gly). In summary, the available evidence is currently insufficient to determine the role of this variant in disease. Therefore, it has been classified as a Variant of Uncertain Significance.

Literature cited by the submitters: PubMed 23664120; PubMed 25497877.